The following is an entry in ClinVar:

ClinVar aggregate classification (germline): Likely benign (1 of 4 stars; one submission).

Allele frequency attached by ClinVar (database versions not stated): gnomAD exomes below 0.00001; TOPMed below 0.00001.

Submission:

Laboratory for Molecular Medicine, Mass General Brigham Personalized Medicine
Classification: Likely benign. Last evaluated: 2015-12-08. Review status: criteria provided, single submitter. Criteria: LMM Criteria. Collection method: clinical testing. Allele origin: germline. Observed: 1 variant allele.
Comment: p.Thr190Thr in exon 4 of DFNA5: This variant is not expected to have clinical si gnificance because it does not alter an amino acid residue and is not located wi thin the splice consensus sequence.

NM_001127453.2(GSDME):c.570G>A (p.Thr190=)

Genes: GSDME (gasdermin E; minus strand), LOC129998098 (ATAC-STARR-seq lymphoblastoid active region 25750; plus strand). Cytogenetic location: 7p15.3.
Variant type: single nucleotide variant.
Coding change: c.570G>A on transcript NM_001127453.2 (MANE Select); coding-DNA position 570, G replaced by A.
Protein change: p.Thr190=; no amino-acid change (threonine 190 retained).
Molecular consequence: synonymous variant.
Genome position (GRCh38, 1-based): chr7:24,719,053, C>T on the plus strand (G>A on the coding strand, the complement: GSDME is on the minus strand). VCF-style: chr7-24719053-C-T. GRCh37 (hg19) VCF-style: chr7-24758672-C-T.
Other names: c.78G>A, p.Thr26= (NM_001127454.2); c.570G>A, p.Thr190= (NM_004403.3).
Identifiers: ClinVar variation 227285 (VCV000227285.4), dbSNP rs876657449, ClinGen allele CA10576726.